The following is an entry in ClinVar:

NM_000138.5(FBN1):c.8154dup (p.Lys2719Ter)

Gene: FBN1 (fibrillin 1; minus strand). Cytogenetic location: 15q21.1.
Variant type: Duplication.
Coding change: c.8154dup on transcript NM_000138.5 (MANE Select); coding-DNA position 8154, one base duplicated (T; older notation c.8154dupT).
Protein change: p.Lys2719Ter; replaces lysine 2719 with a stop codon.
Molecular consequence: nonsense.
Genome position (GRCh38, 1-based): chr15:48,412,641, A duplicated on the plus strand (T on the coding strand, the reverse complement: FBN1 is on the minus strand). VCF-style (leftmost placement, unchanged base first): chr15-48412640-T-TA. GRCh37 (hg19) VCF-style: chr15-48704837-T-TA.
Other names: c.8154dupT (NM_000138.4); short protein forms K2719*.
Identifiers: ClinVar variation 200173 (VCV000200173.2), dbSNP rs794728321, ClinGen allele CA304355.

ClinVar aggregate classification (germline): Pathogenic. Review status: criteria provided, single submitter (1 of 4 stars). 2 submissions from 2 submitters: Pathogenic (1). 1 of the submissions does not count toward it. Last evaluated 2014-07-23.

Conditions:
Marfan syndrome (MFS). Also called: MARFAN SYNDROME, TYPE I; FBN1-Related Marfan Syndrome; Marfan syndrome, classic; Marfan syndrome type 1; Marfan's syndrome. Identifiers: Orphanet 284963, Orphanet 558, MedGen C0024796, MONDO:0007947, OMIM 154700.

Submissions (2):

GeneDx
Classification: Pathogenic. Last evaluated: 2014-07-23. Review status: criteria provided, single submitter. Criteria: GeneDx Variant Classification (06012015). Collection method: clinical testing. Allele origin: germline. Affected: yes.
Comment: Although the c.8154dupT variant in the FBN1 gene has not been reported to our knowledge, this variant creates a premature stop codon and is denoted p.Lys2719Stop. This variant is expected to result in either an abnormal, truncated protein product or loss of protein from this allele through nonsense-mediated mRNA decay. Other null variants in the FBN1 gene have been reported in association with Marfan syndrome. In summary, c.8154dupT in the FBN1 gene is interpreted as a pathogenic variant.

Center for Medical Genetics Ghent, University of Ghent
Classification: Pathogenic for Marfan syndrome. Last evaluated: 2017-11-07. Review status: no assertion criteria provided. Collection method: clinical testing. Allele origin: germline. Affected: yes. Not counted in ClinVar's aggregate classification.